The following is an entry in ClinVar:

NM_001164508.2(NEB):c.24329_24332dup (p.Pro8112fs)

Genes: NEB (nebulin; minus strand), RIF1 (replication timing regulatory factor 1; plus strand). Cytogenetic location: 2q23.3.
Variant type: Duplication.
Coding change: c.24329_24332dup on transcript NM_001164508.2 (MANE Select); coding-DNA positions 24329 to 24332, 4 bases duplicated (GAAC; older notation c.24329_24332dupGAAC).
Protein change: p.Pro8112fs; shifts the reading frame from proline 8112.
Molecular consequence: frameshift variant. On other transcripts: intron variant (1).
Genome position (GRCh38, 1-based): chr2:151,497,002-151,497,005, GTTC duplicated on the plus strand (GAAC on the coding strand, the reverse complement: NEB is on the minus strand). VCF-style (leftmost placement, unchanged base first): chr2-151497001-G-GGTTC. GRCh37 (hg19) VCF-style: chr2-152353515-G-GGTTC.
Other names: c.24329_24332dup, p.Pro8112fs (NM_001164507.2); c.24434_24437dup, p.Pro8147fs (NM_001271208.2); c.18826-637_18826-634dup (NM_004543.5); short protein forms P8112fs, P8147fs.
Identifiers: ClinVar variation 658330 (VCV000658330.8), dbSNP rs1574981296, ClinGen allele CA915942837.

ClinVar aggregate classification (germline): Pathogenic (1 of 4 stars; one submission).

Conditions:
Nemaline myopathy 2 (NEM2). Also called: Nemaline myopathy 2, autosomal recessive. Identifiers: MedGen C1850569, MONDO:0009725, OMIM 256030.

Submission:

Labcorp Genetics (formerly Invitae), Labcorp
Classification: Pathogenic for Nemaline myopathy 2. Last evaluated: 2018-12-05. Review status: criteria provided, single submitter. Criteria: Invitae Variant Classification Sherloc (09022015). Collection method: clinical testing. Allele origin: germline.
Comment: Experimental studies and prediction algorithms are not available for this variant, and the functional significance of the affected amino acid(s) is currently unknown. Loss-of-function variants in NEB are known to be pathogenic (PMID: 25205138). For these reasons, this variant has been classified as Pathogenic. This variant has not been reported in the literature in individuals with NEB-related conditions. This sequence change creates a premature translational stop signal (p.Pro8147Asnfs*8) in the NEB gene. It is expected to result in an absent or disrupted protein product. This variant is not present in population databases (ExAC no frequency).

Literature cited by the submitters: PubMed 25205138.